The following is an entry in ClinVar:

NM_001015052.3(MPG):c.766C>A (p.Arg256=)

Genes: MPG (N-methylpurine DNA glycosylase; plus strand), NPRL3 (NPR3 like, GATOR1 complex subunit; minus strand). Cytogenetic location: 16p13.3.
Variant type: single nucleotide variant.
Coding change: c.766C>A on transcript NM_001015052.3 (MANE Select); coding-DNA position 766, C replaced by A.
Protein change: p.Arg256=; no amino-acid change (arginine 256 retained).
Molecular consequence: synonymous variant. On other transcripts: 3 prime UTR variant (5).
Genome position (GRCh38, 1-based): chr16:85,661, C>A. VCF-style: chr16-85661-C-A. GRCh37 (hg19) VCF-style: chr16-135660-C-A.
Other names: c.730C>A, p.Arg244= (NM_001015054.3); c.781C>A, p.Arg261= (NM_002434.4); c.*1044G>T (NM_001039476.3, NM_001077350.3, NM_001243247.2 and 2 more transcripts).
Identifiers: ClinVar variation 4533748 (VCV004533748.6).

ClinVar aggregate classification (germline): Likely benign (1 of 4 stars; one submission).

gnomAD v4.1: 501 of 1,584,282 alleles (0.032%); highest among the groups gnomAD compares: Admixed American, 0.85%; 6 homozygotes.

Submission:

CeGaT Center for Human Genetics Tuebingen
Classification: Likely benign. Last evaluated: 2026-08-01. Review status: criteria provided, single submitter. Criteria: CeGaT Center For Human Genetics Tuebingen Variant Classification Criteria Version 2. Collection method: clinical testing. Allele origin: germline. Affected: yes. Observed: 4 variant alleles.
Comment: MPG: BP4, BP7